The following is an entry in ClinVar:

NM_000426.4(LAMA2):c.4533del (p.Gly1512fs)

Gene: LAMA2 (laminin subunit alpha 2; plus strand). Cytogenetic location: 6q22.33.
Variant type: Deletion.
Coding change: c.4533del on transcript NM_000426.4 (MANE Select); coding-DNA position 4533, one base deleted (T; older notation c.4533delT).
Protein change: p.Gly1512fs; shifts the reading frame from glycine 1512.
Molecular consequence: frameshift variant.
Genome position (GRCh38, 1-based): chr6:129,353,173, T deleted. VCF-style (leftmost placement, unchanged base first): chr6-129353172-CT-C. GRCh37 (hg19) VCF-style: chr6-129674317-CT-C.
Other names: c.4533del, p.Gly1512fs (NM_001079823.2); short protein forms G1512fs.
Identifiers: ClinVar variation 841906 (VCV000841906.11), dbSNP rs1776950897, ClinGen allele CA916081487.

ClinVar aggregate classification (germline): Pathogenic. Review status: criteria provided, multiple submitters, no conflicts (2 of 4 stars). 2 submissions from 2 submitters: Pathogenic (2). Last evaluated 2023-09-21.

Conditions:
Muscular dystrophy, limb-girdle, autosomal recessive 23. Identifiers: Orphanet 565837, MedGen C4748327, MONDO:0029136, OMIM 618138.
LAMA2-related muscular dystrophy (LAMA2-RD). Also called: Laminin alpha 2-related dystrophy. Identifiers: MedGen C5679788, MONDO:0100228.

Submissions (2):

Labcorp Genetics (formerly Invitae), Labcorp
Classification: Pathogenic for LAMA2-related muscular dystrophy. Last evaluated: 2023-09-21. Review status: criteria provided, single submitter. Criteria: Invitae Variant Classification Sherloc (09022015). Collection method: clinical testing. Allele origin: germline.
Comment: This variant is not present in population databases (gnomAD no frequency). For these reasons, this variant has been classified as Pathogenic. ClinVar contains an entry for this variant (Variation ID: 841906). This premature translational stop signal has been observed in individual(s) with limb girdle muscular dystrophy (PMID: 27932089). This sequence change creates a premature translational stop signal (p.Gly1512Alafs*83) in the LAMA2 gene. It is expected to result in an absent or disrupted protein product. Loss-of-function variants in LAMA2 are known to be pathogenic (PMID: 18700894, 32904964).

Institute of Human Genetics Munich, TUM University Hospital
Classification: Pathogenic for Muscular dystrophy, limb-girdle, autosomal recessive 23. Last evaluated: 2021-07-30. Review status: criteria provided, single submitter. Criteria: Classification criteria August 2017. Collection method: clinical testing. Allele origin: paternal. Inheritance: Autosomal recessive inheritance. Affected: yes. Observed: 1 variant allele.

Literature cited by the submitters: PubMed 27932089 (cited by Labcorp Genetics (formerly Invitae), Labcorp); PubMed 18700894 (cited by Labcorp Genetics (formerly Invitae), Labcorp); PubMed 32904964 (cited by Labcorp Genetics (formerly Invitae), Labcorp).